The following is an entry in ClinVar:

ClinVar aggregate classification (germline): Uncertain significance (1 of 4 stars; one submission).

Submission:

Labcorp Genetics (formerly Invitae), Labcorp
Classification: Uncertain significance. Last evaluated: 2024-10-14. Review status: criteria provided, single submitter. Criteria: Invitae Variant Classification Sherloc (09022015). Collection method: clinical testing. Allele origin: germline.
Comment: This variant, c.16_39dup, results in the insertion of 8 amino acid(s) of the CLCN6 protein (p.Gly6_Arg13dup), but otherwise preserves the integrity of the reading frame. This variant is not present in population databases (gnomAD no frequency). This variant has not been reported in the literature in individuals affected with CLCN6-related conditions. ClinVar contains an entry for this variant (Variation ID: 1998501). In summary, the available evidence is currently insufficient to determine the role of this variant in disease. Therefore, it has been classified as a Variant of Uncertain Significance.

NM_001286.5(CLCN6):c.16_39dup (p.Arg13_Trp14insGlySerLeuCysCysCysCysArg)

Gene: CLCN6 (chloride voltage-gated channel 6; plus strand). Cytogenetic location: 1p36.22.
Variant type: Duplication.
Coding change: c.16_39dup on transcript NM_001286.5 (MANE Select); coding-DNA positions 16 to 39, 24 bases duplicated (GGGTCTCTGTGCTGCTGCTGCAGG).
Protein change: p.Arg13_Trp14insGlySerLeuCysCysCysCysArg.
Molecular consequence: inframe insertion. On other transcripts: non-coding transcript variant (1).
Genome position (GRCh38, 1-based): chr1:11,806,278-11,806,301, GGGTCTCTGTGCTGCTGCTGCAGG duplicated; duplicating any 24 consecutive bases within chr1:11,806,272-11,806,301 gives the same sequence; the c. name uses the placement nearest the transcript's 3' end. VCF-style (leftmost placement, unchanged base first): chr1-11806271-G-GTGCAGGGGGTCTCTGTGCTGCTGC. GRCh37 (hg19) VCF-style: chr1-11866328-G-GTGCAGGGGGTCTCTGTGCTGCTGC.
Other names: c.16_39dup, p.Arg13_Trp14insGlySerLeuCysCysCysCysArg (NM_001256959.2).
Identifiers: ClinVar variation 1998501 (VCV001998501.4), dbSNP rs2523014431, ClinGen allele CA2580060783.
Genomic context (GRCh38, chr1:11,806,271, plus strand): 5'-CTGGCTGGGAGGGGGTTGGTAGAGGGGTCCAGAGTGGCAGTAAAGGAGGAAGATGGCGGG[G>GTGCAGGGGGTCTCTGTGCTGCTGC]TGCAGGGGGTCTCTGTGCTGCTGCTGCAGGTGGTGCTGCTGCTGCGGTGAGCGTGAGACC-3'